The following is an entry in ClinVar:

ClinVar aggregate classification (germline): Uncertain significance (1 of 4 stars; one submission).

Conditions:
Hypertrophic cardiomyopathy. Also called: HYPERTROPHIC MYOCARDIOPATHY. Identifiers: Orphanet 217569, MedGen C0007194, MeSH D002312, MONDO:0005045, HP:0001639.

gnomAD v4.1: 1 of 1,613,986 alleles (0.000062%); highest among the groups gnomAD compares: Non-Finnish European, 0.000085%; no homozygotes.

Submission:

Labcorp Genetics (formerly Invitae), Labcorp
Classification: Uncertain significance for Hypertrophic cardiomyopathy. Last evaluated: 2024-07-19. Review status: criteria provided, single submitter. Criteria: Invitae Variant Classification Sherloc (09022015). Collection method: clinical testing. Allele origin: germline.
Comment: This sequence change falls in intron 20 of the MYH7 gene. It does not directly change the encoded amino acid sequence of the MYH7 protein. It affects a nucleotide within the consensus splice site. This variant is not present in population databases (gnomAD no frequency). This variant has not been reported in the literature in individuals affected with MYH7-related conditions. ClinVar contains an entry for this variant (Variation ID: 664546). Variants that disrupt the consensus splice site are a relatively common cause of aberrant splicing (PMID: 17576681, 9536098). Algorithms developed to predict the effect of sequence changes on RNA splicing suggest that this variant is not likely to affect RNA splicing. In summary, the available evidence is currently insufficient to determine the role of this variant in disease. Therefore, it has been classified as a Variant of Uncertain Significance.

Literature cited by the submitters: PubMed 17576681; PubMed 9536098.

NM_000257.4(MYH7):c.2286+5G>C

Gene: MYH7 (myosin heavy chain 7; minus strand). Cytogenetic location: 14q11.2.
Variant type: single nucleotide variant.
Coding change: c.2286+5G>C on transcript NM_000257.4 (MANE Select); 5 bases into the intron after coding-DNA position 2286, G replaced by C.
Molecular consequence: intron variant.
Genome position (GRCh38, 1-based): chr14:23,425,690, C>G on the plus strand (G>C on the coding strand, the complement: MYH7 is on the minus strand). VCF-style: chr14-23425690-C-G. GRCh37 (hg19) VCF-style: chr14-23894899-C-G.
Identifiers: ClinVar variation 664546 (VCV000664546.8), dbSNP rs1312350943, ClinGen allele CA915946999.
Genomic context (GRCh38, chr14:23,425,690, plus strand): 5'-AAAGCATCAGAGGAGTCAATGGAAAAGAGATGTCTTCCTTTAATTAATTAGTCTCCTTTC[C>G]TCACCTTGGTGTGGCCAAACTTGTACTGGTTGTGATCAATGTCCAGGGAGCTGAGCAGCT-3'